The following is an entry in ClinVar:

NM_144999.4(LRRC45):c.479G>A (p.Gly160Asp)

Gene: LRRC45 (leucine rich repeat containing 45; plus strand). Cytogenetic location: 17q25.3.
Variant type: single nucleotide variant.
Coding change: c.479G>A on transcript NM_144999.4 (MANE Select); coding-DNA position 479, G replaced by A.
Protein change: p.Gly160Asp; replaces glycine 160 with aspartic acid.
Molecular consequence: missense variant.
Genome position (GRCh38, 1-based): chr17:82,025,125, G>A. VCF-style: chr17-82025125-G-A. GRCh37 (hg19) VCF-style: chr17-79983001-G-A.
Other names: short protein forms G160D.
Identifiers: ClinVar variation 5002245 (VCV005002245.1).

ClinVar aggregate classification (germline): Uncertain significance (1 of 4 stars; one submission).

Conditions:
LRRC45-related disorder. Also called: LRRC45-related condition.

gnomAD v4.1: 9 of 1,610,996 alleles (0.00056%); highest among the groups gnomAD compares: Non-Finnish European, 0.00076%; no homozygotes.

Submission:

PreventionGenetics, part of Exact Sciences
Classification: Uncertain significance for LRRC45-related condition. Last evaluated: 2025-05-07. Review status: criteria provided, single submitter. Criteria: ACMG Guidelines, 2015. Collection method: clinical testing. Allele origin: germline.
Comment: The LRRC45 c.479G>A variant is predicted to result in the amino acid substitution p.Gly160Asp. To our knowledge, this variant has not been reported in the literature or in a large population database (gnomAD), indicating this variant is rare. At this time, the clinical significance of this variant is uncertain due to the absence of conclusive functional and genetic evidence.